The following is an entry in ClinVar:

ClinVar aggregate classification (germline): Uncertain significance. Review status: criteria provided, multiple submitters, no conflicts (2 of 4 stars). 4 submissions from 4 submitters: Uncertain significance (4). Last evaluated 2026-09-01.

Conditions:
TTLL5-related disorder. Also called: TTLL5-related condition.
Inborn genetic diseases. Identifiers: MedGen C0950123, MeSH D030342.

Allele frequency attached by ClinVar (database versions not stated): gnomAD 0.00001; gnomAD exomes 0.00002 and 0.00004; TOPMed 0.00002; ExAC 0.00003.
gnomAD v4.1: 36 of 1,600,328 alleles (0.0022%); highest among the groups gnomAD compares: Admixed American, 0.0035%; no homozygotes.

Submissions (4):

PreventionGenetics, part of Exact Sciences
Classification: Uncertain significance for TTLL5-related condition. Last evaluated: 2026-09-01. Review status: criteria provided, single submitter. Criteria: ACMG Guidelines, 2015. Collection method: clinical testing. Allele origin: germline.
Comment: The TTLL5 c.3284A>G variant is predicted to result in the amino acid substitution p.Asp1095Gly. To our knowledge, this variant has not been reported in the literature. This variant is reported in 0.0064% of alleles in individuals of European (Non-Finnish) descent in gnomAD. At this time, the clinical significance of this variant is uncertain due to the absence of conclusive functional and genetic evidence.

Ambry Genetics
Classification: Uncertain significance for Inborn genetic diseases. Last evaluated: 2024-03-19. Review status: criteria provided, single submitter. Criteria: Ambry Variant Classification Scheme 2023. Collection method: clinical testing. Allele origin: germline.

Blueprint Genetics
Classification: Uncertain significance. Last evaluated: 2023-09-15. Review status: criteria provided, single submitter. Criteria: ACMG Guidelines, 2015. Collection method: clinical testing. Allele origin: germline.

Labcorp Genetics (formerly Invitae), Labcorp
Classification: Uncertain significance. Last evaluated: 2022-09-06. Review status: criteria provided, single submitter. Criteria: Invitae Variant Classification Sherloc (09022015). Collection method: clinical testing. Allele origin: germline.
Comment: This sequence change replaces aspartic acid, which is acidic and polar, with glycine, which is neutral and non-polar, at codon 1095 of the TTLL5 protein (p.Asp1095Gly). This variant is present in population databases (rs755007471, gnomAD 0.01%). This variant has not been reported in the literature in individuals affected with TTLL5-related conditions. ClinVar contains an entry for this variant (Variation ID: 849389). Algorithms developed to predict the effect of missense changes on protein structure and function (SIFT, PolyPhen-2, Align-GVGD) all suggest that this variant is likely to be tolerated. In summary, the available evidence is currently insufficient to determine the role of this variant in disease. Therefore, it has been classified as a Variant of Uncertain Significance.

NM_015072.5(TTLL5):c.3284A>G (p.Asp1095Gly)

Gene: TTLL5 (tubulin tyrosine ligase like 5; plus strand). Cytogenetic location: 14q24.3.
Variant type: single nucleotide variant.
Coding change: c.3284A>G on transcript NM_015072.5 (MANE Select); coding-DNA position 3284, A replaced by G.
Protein change: p.Asp1095Gly; replaces aspartic acid 1095 with glycine.
Molecular consequence: missense variant.
Genome position (GRCh38, 1-based): chr14:75,820,119, A>G. VCF-style: chr14-75820119-A-G. GRCh37 (hg19) VCF-style: chr14-76286462-A-G.
Other names: short protein forms D1095G.
Identifiers: ClinVar variation 849389 (VCV000849389.9), dbSNP rs755007471, ClinGen allele CA7279969.